The following is an entry in ClinVar:

ClinVar aggregate classification (germline): Likely benign (1 of 4 stars; one submission).

Conditions:
SLC7A7-related disorder. Also called: SLC7A7-related condition.

gnomAD v4.1: 30 of 1,613,962 alleles (0.0019%); highest among the groups gnomAD compares: Non-Finnish European, 0.0023%; no homozygotes.

Submission:

PreventionGenetics, part of Exact Sciences
Classification: Likely benign for SLC7A7-related condition. Last evaluated: 2025-03-13. Review status: criteria provided, single submitter. Criteria: ACMG Guidelines, 2015. Collection method: clinical testing. Allele origin: germline.
Comment: This variant is classified as likely benign based on ACMG/AMP sequence variant interpretation guidelines (Richards et al. 2015 PMID: 25741868, with internal and published modifications).

NM_003982.4(SLC7A7):c.360C>A (p.Leu120=)

Gene: SLC7A7 (solute carrier family 7 member 7; minus strand). Cytogenetic location: 14q11.2.
Variant type: single nucleotide variant.
Coding change: c.360C>A on transcript NM_003982.4 (MANE Select); coding-DNA position 360, C replaced by A.
Protein change: p.Leu120=; no amino-acid change (leucine 120 retained).
Molecular consequence: synonymous variant.
Genome position (GRCh38, 1-based): chr14:22,813,039, G>T on the plus strand (C>A on the coding strand, the complement: SLC7A7 is on the minus strand). VCF-style: chr14-22813039-G-T. GRCh37 (hg19) VCF-style: chr14-23282248-G-T.
Other names: c.360C>A, p.Leu120= (NM_001126105.3, NM_001126106.4).
Identifiers: ClinVar variation 4977400 (VCV004977400.1).
Genomic context (GRCh38, chr14:22,813,039, plus strand): 5'-GGCAAAGGTGATGGCAATGATGGCCTGGCTGGTGGGCTCAATGATGAGCAGGGAGGTCCA[G>T]AGTCTGATGAAAGCAAGGAATCCTCCAAAGGCCTCCAGGATATAGGCATAGCTGGCCCCA-3'
Protein context (NP_003973.3, residues 110-130): AFGGFLAFIR[Leu120=]WTSLLIIEPT